The following is an entry in ClinVar:

NM_024652.6(LRRK1):c.2586C>T (p.Ser862=)

Genes: LRRK1 (leucine rich repeat kinase 1; plus strand), LOC126862255 (CDK7 strongly-dependent group 2 enhancer GRCh37_chr15:101567313-101568512; plus strand). Cytogenetic location: 15q26.3.
Variant type: single nucleotide variant.
Coding change: c.2586C>T on transcript NM_024652.6 (MANE Select); coding-DNA position 2586, C replaced by T.
Protein change: p.Ser862=; no amino-acid change (serine 862 retained).
Molecular consequence: synonymous variant.
Genome position (GRCh38, 1-based): chr15:101,027,697, C>T. VCF-style: chr15-101027697-C-T. GRCh37 (hg19) VCF-style: chr15-101567902-C-T.
Other names: c.2586C>T (NM_024652.5).
Identifiers: ClinVar variation 1665615 (VCV001665615.10), dbSNP rs55922118, ClinGen allele CA7761293.

ClinVar aggregate classification (germline): Benign. Review status: criteria provided, single submitter (1 of 4 stars). 2 submissions from 2 submitters: Benign (1). 1 of the submissions does not count toward it. Last evaluated 2026-01-06.

Conditions:
LRRK1-related disorder. Also called: LRRK1-related condition.

Allele frequency attached by ClinVar (database versions not stated): gnomAD exomes 0.00027 and 0.00119; gnomAD 0.00047 and 0.00038; TOPMed 0.00059; ExAC 0.00134; 1000 Genomes Project 30x 0.00234; 1000 Genomes Project 0.00280.
gnomAD v4.1: 484 of 1,613,056 alleles (0.03%); highest among the groups gnomAD compares: East Asian, 1%; 3 homozygotes.

Submissions (2):

Labcorp Genetics (formerly Invitae), Labcorp
Classification: Benign. Last evaluated: 2026-01-06. Review status: criteria provided, single submitter. Criteria: Invitae Variant Classification Sherloc (09022015). Collection method: clinical testing. Allele origin: germline.

PreventionGenetics, part of Exact Sciences
Classification: Likely benign for LRRK1-related condition. Last evaluated: 2019-08-16. Review status: no assertion criteria provided. Collection method: clinical testing. Allele origin: germline. Not counted in ClinVar's aggregate classification.
Comment: This variant is classified as likely benign based on ACMG/AMP sequence variant interpretation guidelines (Richards et al. 2015 PMID: 25741868, with internal and published modifications).